The following is an entry in ClinVar:

ClinVar aggregate classification (germline): Pathogenic. Review status: criteria provided, multiple submitters, no conflicts (2 of 4 stars). 9 submissions from 9 submitters: Pathogenic (5). 4 of the submissions do not count toward it. Last evaluated 2026-01-26.

Conditions:
MYO7A-related disorder. Also called: MYO7A-related disorders.
Retinitis pigmentosa (RP). Identifiers: Orphanet 791, MedGen C0035334, MeSH D012174, MONDO:0019200, OMIM 268000. Inheritance: Autosomal dominant, autosomal recessive and X linked inheritance.
Rare genetic deafness. Identifiers: Orphanet 96210, MedGen C5680250.
Usher syndrome type 1 (USH1). Also called: RETINITIS PIGMENTOSA AND CONGENITAL DEAFNESS. Identifiers: Orphanet 231169, Orphanet 886, MedGen C1568247, MONDO:0010168, OMIM 276900.
Autosomal recessive nonsyndromic hearing loss 2. Also called: NEUROSENSORY NONSYNDROMIC RECESSIVE DEAFNESS 2; DEAFNESS, AUTOSOMAL RECESSIVE 2. Identifiers: Orphanet 90636, MedGen C1838701, MONDO:0010807, OMIM 600060.
Hearing loss, autosomal recessive. Also called: Rare autosomal recessive non-syndromic sensorineural deafness type DFNB; Deafness, autosomal recessive; Autosomal recessive nonsyndromic deafness; Nonsyndromic Hearing Loss, Recessive. Identifiers: Orphanet 90635, Orphanet 90636, MedGen C1846647, MONDO:0019588, OMIM 607197.
Usher syndrome type 1B (USH1B). Also called: Usher syndrome type IB. Identifiers: MedGen C1848638, MONDO:0700087.

Allele frequency attached by ClinVar (database versions not stated): TOPMed 0.00001.
gnomAD v4.1: 46 of 1,610,724 alleles (0.0029%); highest among the groups gnomAD compares: Non-Finnish European, 0.0035%; no homozygotes.

Submissions (9):

Labcorp Genetics (formerly Invitae), Labcorp
Classification: Pathogenic. Last evaluated: 2026-01-26. Review status: criteria provided, single submitter. Criteria: Invitae Variant Classification Sherloc (09022015). Collection method: clinical testing. Allele origin: germline.
Comment: This sequence change creates a premature translational stop signal (p.Cys31*) in the MYO7A gene. It is expected to result in an absent or disrupted protein product. Loss-of-function variants in MYO7A are known to be pathogenic (PMID: 8900236, 25404053). This variant is present in population databases (rs35689081, gnomAD 0.008%). This premature translational stop signal has been observed in individuals with Usher syndrome (PMID: 8900236, 10094549, 19074810, 27957503). It is commonly reported in individuals of Danish ancestry (PMID: 27957503). ClinVar contains an entry for this variant (Variation ID: 11859). For these reasons, this variant has been classified as Pathogenic.

Natera, Inc.
Classification: Pathogenic for Usher syndrome type 1B. Last evaluated: 2025-04-09. Review status: criteria provided, single submitter. Criteria: Natera Variant Classification Schema (03/2026). Collection method: clinical testing. Allele origin: germline.
Comment: The c.93C>A variant in MYO7A is a nonsense variant predicted to introduce a stop codon at amino acid 31. This variant is expected to result in nonsense mediated decay, truncation, or a dysfunctional protein product. This variant is rare in the general population with a frequency below the threshold expected for the associated phenotype(s). This variant has been observed in one or more individuals affected with the associated recessive disease, as either homozygous or compound heterozygous with a second variant (PMID: 27957503). Given the available evidence, this variant is classified as Pathogenic.

GeneDx
Classification: Pathogenic. Last evaluated: 2023-09-19. Review status: criteria provided, single submitter. Criteria: GeneDx Variant Classification Process June 2021. Collection method: clinical testing. Allele origin: germline. Affected: yes.
Comment: Observed in the heterozygous state in an individual with Usher syndrome in published literature (Weston et al., 1996; Janecke et al., 1999; Jacobson et al., 2009); Nonsense variant predicted to result in protein truncation or nonsense mediated decay in a gene for which loss of function is a known mechanism of disease; This variant is associated with the following publications: (PMID: 27957503, 25525159, 10094549, 20544672, 12112664, 28731162, 24199935, 8900236, 19074810, 25333064, 23770805, 30303587, 31266775, 34948090, 30718709)

Blueprint Genetics
Classification: Pathogenic for MYO7A-related disorders. Last evaluated: 2021-09-21. Review status: criteria provided, single submitter. Criteria: ACMG Guidelines, 2015. Collection method: clinical testing. Allele origin: germline. Affected: yes. Observed: 4 variant alleles.

Laboratory for Molecular Medicine, Mass General Brigham Personalized Medicine
Classification: Pathogenic for Rare genetic deafness. Last evaluated: 2017-08-03. Review status: criteria provided, single submitter. Criteria: LMM Criteria. Collection method: clinical testing. Allele origin: germline. Inheritance: Autosomal recessive inheritance. Observed: 2 variant alleles.
Comment: The p.Cys31X variant in MYO7A has been reported in at least 9 individuals with U sher syndrome type I, many of whom were either homozygous for this variant or co mpound heterozygous with a second pathogenic variant (Weston 1996, Janecke 1999, Jacobson 2008, Tranebj?rg 2011). It has been identified in 10/123920 European c hromosomes by the Genome Aggregation Database (gnomAD; dbSNP rs35689081); this frequency in the general population is consist ent with a carrier frequency for autosomal recessive Usher syndrome. This nonsen se variant leads to a premature stop codon at position 31, which is predicted to lead to a truncated or absent protein. In summary, this variant meets criteria to be classified as pathogenic for autosomal recessive Usher syndrome based upon its predicted impact and biallelic presence in previously reported affected ind ividuals.

Department of Clinical Genetics, Copenhagen University Hospital, Rigshospitalet
Classification: Pathogenic for Retinitis pigmentosa. Last evaluated: 2018-04-01. Review status: no assertion criteria provided. Collection method: research. Allele origin: unknown. Affected: yes. Study: VeluxRD. Not counted in ClinVar's aggregate classification.

Counsyl
Classification: Pathogenic for Usher syndrome type 1; Autosomal recessive nonsyndromic hearing loss 2. Last evaluated: 2017-03-22. Review status: no assertion criteria provided. Collection method: clinical testing. Allele origin: unknown. Not counted in ClinVar's aggregate classification.

OMIM
Classification: Pathogenic for USHER SYNDROME, TYPE IB. Last evaluated: 1999-01-01. Review status: no assertion criteria provided. Collection method: literature only. Allele origin: germline. Not counted in ClinVar's aggregate classification.

University of Washington Center for Mendelian Genomics, University of Washington
Classification: Likely pathogenic for non-syndromic autosomal recessive hearing loss. Review status: no assertion criteria provided. Collection method: research. Allele origin: inherited. Affected: yes. Not counted in ClinVar's aggregate classification.

Literature cited by the submitters: PubMed 8900236 (cited by 3 submitters); PubMed 25404053 (cited by Labcorp Genetics (formerly Invitae), Labcorp); PubMed 10094549 (cited by 4 submitters); PubMed 19074810 (cited by 3 submitters); PubMed 27957503 (cited by Labcorp Genetics (formerly Invitae), Labcorp and Natera, Inc.); PubMed 30718709 (cited by Department of Clinical Genetics, Copenhagen University Hospital, Rigshospitalet); PubMed 30303587 (cited by University of Washington Center for Mendelian Genomics, University of Washington).

NM_000260.4(MYO7A):c.93C>A (p.Cys31Ter)

Gene: MYO7A (myosin VIIA; plus strand). Cytogenetic location: 11q13.5.
Variant type: single nucleotide variant.
Coding change: c.93C>A on transcript NM_000260.4 (MANE Select); coding-DNA position 93, C replaced by A.
Protein change: p.Cys31Ter; replaces cysteine 31 with a stop codon.
Molecular consequence: nonsense.
Genome position (GRCh38, 1-based): chr11:77,142,783, C>A. VCF-style: chr11-77142783-C-A. GRCh37 (hg19) VCF-style: chr11-76853829-C-A.
Other names: c.93C>A, p.Cys31Ter (NM_001127180.2); c.60C>A, p.Cys20Ter (NM_001369365.1); short protein forms C31*, C20*.
Identifiers: ClinVar variation 11859 (VCV000011859.20), dbSNP rs35689081, ClinGen allele CA277965.
Genomic context (GRCh38, chr11:77,142,783, plus strand): 5'-GATGGACCTGAGATTGGGGCAGGAGTTCGACGTGCCCATCGGGGCGGTGGTGAAGCTCTG[C>A]GACTCTGGGCAGGTCCAGGTGGTGGATGATGAAGACAATGTGAGTAGTCCCCTCCCTCCT-3'